The following is an entry in ClinVar:

ClinVar aggregate classification (germline): Uncertain significance (1 of 4 stars; one submission).

Submission:

GeneDx
Classification: Uncertain significance. Last evaluated: 2026-03-27. Review status: criteria provided, single submitter. Criteria: GeneDx Variant Classification Process June 2021. Collection method: clinical testing. Allele origin: germline.
Comment: Not observed at significant frequency in large population cohorts (gnomAD); In silico analysis supports that this missense variant has a deleterious effect on protein structure/function; Has not been previously published as pathogenic or benign to our knowledge

NM_130847.3(AMOTL1):c.431T>C (p.Leu144Pro)

Gene: AMOTL1 (angiomotin like 1; plus strand). Cytogenetic location: 11q21.
Variant type: single nucleotide variant.
Coding change: c.431T>C on transcript NM_130847.3 (MANE Select); coding-DNA position 431, T replaced by C.
Protein change: p.Leu144Pro; replaces leucine 144 with proline.
Molecular consequence: missense variant.
Genome position (GRCh38, 1-based): chr11:94,799,621, T>C. VCF-style: chr11-94799621-T-C. GRCh37 (hg19) VCF-style: chr11-94532787-T-C.
Other names: c.281T>C, p.Leu94Pro (NM_001301007.2); short protein forms L144P, L94P.
Identifiers: ClinVar variation 5017770 (VCV005017770.1).